The following is an entry in ClinVar:

NM_016556.4(PSMC3IP):c.189G>T (p.Lys63Asn)

Gene: PSMC3IP (PSMC3 interacting protein; minus strand). Cytogenetic location: 17q21.2.
Variant type: single nucleotide variant.
Coding change: c.189G>T on transcript NM_016556.4 (MANE Select); coding-DNA position 189, G replaced by T.
Protein change: p.Lys63Asn; replaces lysine 63 with asparagine.
Molecular consequence: missense variant. On other transcripts: 5 prime UTR variant (3), non-coding transcript variant (3).
Genome position (GRCh38, 1-based): chr17:42,577,249, C>A on the plus strand (G>T on the coding strand, the complement: PSMC3IP is on the minus strand). VCF-style: chr17-42577249-C-A. GRCh37 (hg19) VCF-style: chr17-40729267-C-A.
Other names: c.-1G>T (NM_001256014.2); c.-182G>T (NM_001256015.2); c.-68G>T (NM_001256016.2); c.189G>T, p.Lys63Asn (NM_013290.7); short protein forms K63N.
Identifiers: ClinVar variation 1501945 (VCV001501945.6), dbSNP rs139657728, ClinGen allele CA8579110.

ClinVar aggregate classification (germline): Conflicting classifications of pathogenicity. Review status: criteria provided, conflicting classifications (1 of 4 stars). 4 submissions from 4 submitters: Likely pathogenic (1); Uncertain significance (2). 1 of the submissions does not count toward it. Last evaluated 2025-07-16.

Conditions:
Ovarian dysgenesis 3 (ODG3). Identifiers: Orphanet 243, MedGen C3280471, MONDO:0013689, OMIM 614324.

Allele frequency attached by ClinVar (database versions not stated): ESP Exome Variant Server 0.00046; gnomAD 0.00049 and 0.00046; TOPMed 0.00054; 1000 Genomes Project 0.00060; ExAC 0.00050; gnomAD exomes 0.00053; 1000 Genomes Project 30x 0.00062.

Submissions (4):

First Genomix Gene Laboratory, Genetic Diagnostics Department
Classification: Likely pathogenic for Ovarian dysgenesis 3. Last evaluated: 2025-07-16. Review status: criteria provided, single submitter. Criteria: ACMG Guidelines, 2015. Collection method: clinical testing. Allele origin: germline. Inheritance: Autosomal recessive inheritance. Affected: no. Observed: 1 variant allele.

Labcorp Genetics (formerly Invitae), Labcorp
Classification: Uncertain significance. Last evaluated: 2022-10-24. Review status: criteria provided, single submitter. Criteria: Invitae Variant Classification Sherloc (09022015). Collection method: clinical testing. Allele origin: germline.
Comment: This sequence change replaces lysine, which is basic and polar, with asparagine, which is neutral and polar, at codon 63 of the PSMC3IP protein (p.Lys63Asn). This variant is present in population databases (rs139657728, gnomAD 0.1%), and has an allele count higher than expected for a pathogenic variant. This variant has not been reported in the literature in individuals affected with PSMC3IP-related conditions. ClinVar contains an entry for this variant (Variation ID: 1501945). Algorithms developed to predict the effect of missense changes on protein structure and function are either unavailable or do not agree on the potential impact of this missense change (SIFT: "Deleterious"; PolyPhen-2: "Probably Damaging"; Align-GVGD: "Class C0"). In summary, the available evidence is currently insufficient to determine the role of this variant in disease. Therefore, it has been classified as a Variant of Uncertain Significance.

Breakthrough Genomics
Classification: Uncertain significance. Review status: criteria provided, single submitter. Criteria: ACMG Guidelines, 2015. Collection method: not provided. Allele origin: germline. Inheritance: Autosomal recessive inheritance. Affected: yes.

OMIM
Classification: Pathogenic for OVARIAN DYSGENESIS 3. Last evaluated: 2025-06-02. Review status: no assertion criteria provided. Collection method: literature only. Allele origin: germline. Not counted in ClinVar's aggregate classification.

Literature cited by the submitters: PubMed 35352317 (cited by OMIM).